The following is an entry in ClinVar:

ClinVar aggregate classification (germline): Uncertain significance (1 of 4 stars; one submission).

Submission:

Labcorp Genetics (formerly Invitae), Labcorp
Classification: Uncertain significance. Last evaluated: 2025-06-02. Review status: criteria provided, single submitter. Criteria: Invitae Variant Classification Sherloc (09022015). Collection method: clinical testing. Allele origin: germline.
Comment: This sequence change replaces isoleucine, which is neutral and non-polar, with valine, which is neutral and non-polar, at codon 835 of the ACTN1 protein (p.Ile835Val). This variant is not present in population databases (gnomAD no frequency). This variant has not been reported in the literature in individuals affected with ACTN1-related conditions. ClinVar contains an entry for this variant (Variation ID: 2971877). An algorithm developed to predict the effect of missense changes on protein structure and function (PolyPhen-2) suggests that this variant is likely to be tolerated. In summary, the available evidence is currently insufficient to determine the role of this variant in disease. Therefore, it has been classified as a Variant of Uncertain Significance.

NM_001130004.2(ACTN1):c.2503A>G (p.Ile835Val)

Gene: ACTN1 (actinin alpha 1; minus strand). Cytogenetic location: 14q24.1.
Variant type: single nucleotide variant.
Coding change: c.2503A>G on transcript NM_001130004.2 (MANE Select); coding-DNA position 2503, A replaced by G.
Protein change: p.Ile835Val; replaces isoleucine 835 with valine.
Molecular consequence: missense variant.
Genome position (GRCh38, 1-based): chr14:68,877,165, T>C on the plus strand (A>G on the coding strand, the complement: ACTN1 is on the minus strand). VCF-style: chr14-68877165-T-C. GRCh37 (hg19) VCF-style: chr14-69343882-T-C.
Other names: c.2437A>G, p.Ile813Val (NM_001102.4, NM_001424012.1); c.2422A>G, p.Ile808Val (NM_001130005.2, NM_001424014.1); c.2446A>G, p.Ile816Val (NM_001411035.1); c.2242A>G, p.Ile748Val (NM_001411036.1, NM_001424026.1); c.2563A>G, p.Ile855Val (NM_001424013.1); c.2524A>G, p.Ile842Val (NM_001424015.1); c.2461A>G, p.Ile821Val (NM_001424016.1); c.2434A>G, p.Ile812Val (NM_001424017.1); and 11 more; short protein forms I725V, I743V, I787V, I842V, I747V, I748V, I774V, I812V.
Identifiers: ClinVar variation 2971877 (VCV002971877.3), dbSNP rs2503089633, ClinGen allele CA390180541.